The following is an entry in ClinVar:

ClinVar aggregate classification (germline): Pathogenic. Review status: criteria provided, multiple submitters, no conflicts (2 of 4 stars). 2 submissions from 2 submitters: Pathogenic (2). Last evaluated 2025-08-06.

Conditions:
Acute infantile liver failure due to synthesis defect of mtDNA-encoded proteins. Also called: LIVER FAILURE, INFANTILE, TRANSIENT; TRMU Deficiency; Liver failure acute infantile. Identifiers: Orphanet 217371, MedGen C3278664, MONDO:0013111, OMIM 613070.

Submissions (2):

3billion
Classification: Pathogenic for Acute infantile liver failure due to synthesis defect of mtDNA-encoded proteins. Last evaluated: 2025-08-06. Review status: criteria provided, single submitter. Criteria: ACMG Guidelines, 2015. Collection method: clinical testing. Allele origin: germline. Affected: yes.
Comment: The variant is not observed in the gnomAD v4.1.0 dataset. Predicted Consequence/Location: Frameshift: predicted to result in a loss or disruption of normal protein function through nonsense-mediated decay (NMD) or protein truncation. Multiple pathogenic variants are reported downstream of the variant. The variant has been reported to be associated with TRMU-related disorder (ClinVar ID: VCV001373404). Therefore, this variant is classified as Pathogenic according to the recommendation of ACMG/AMP guideline.

Labcorp Genetics (formerly Invitae), Labcorp
Classification: Pathogenic. Last evaluated: 2023-09-10. Review status: criteria provided, single submitter. Criteria: Invitae Variant Classification Sherloc (09022015). Collection method: clinical testing. Allele origin: germline.
Comment: This sequence change creates a premature translational stop signal (p.Phe199Leufs*2) in the TRMU gene. It is expected to result in an absent or disrupted protein product. Loss-of-function variants in TRMU are known to be pathogenic (PMID: 19732863, 23625533). For these reasons, this variant has been classified as Pathogenic. ClinVar contains an entry for this variant (Variation ID: 1373404). This variant has not been reported in the literature in individuals affected with TRMU-related conditions. This variant is not present in population databases (gnomAD no frequency).

Literature cited by the submitters: PubMed 19732863 (cited by Labcorp Genetics (formerly Invitae), Labcorp); PubMed 23625533 (cited by Labcorp Genetics (formerly Invitae), Labcorp).

NM_018006.5(TRMU):c.597del (p.Phe199fs)

Gene: TRMU (tRNA mitochondrial 2-thiouridylase; plus strand). Cytogenetic location: 22q13.31.
Variant type: Deletion.
Coding change: c.597del on transcript NM_018006.5 (MANE Select); coding-DNA position 597, one base deleted (T; older notation c.597delT).
Protein change: p.Phe199fs; shifts the reading frame from phenylalanine 199.
Molecular consequence: frameshift variant. On other transcripts: non-coding transcript variant (2).
Genome position (GRCh38, 1-based): chr22:46,350,409, T deleted; the last of 3 consecutive T bases (chr22:46,350,407-46,350,409); deleting any one gives the same sequence. VCF-style (leftmost placement, unchanged base first): chr22-46350406-GT-G. GRCh37 (hg19) VCF-style: chr22-46746303-GT-G.
Other names: c.255del, p.Phe85fs (NM_001282782.2); c.177del, p.Phe59fs (NM_001282783.2, NM_001282784.2); c.597del, p.Phe199fs (NM_001282785.2); short protein forms F85fs, F59fs, F199fs.
Identifiers: ClinVar variation 1373404 (VCV001373404.7), dbSNP rs2147081045, ClinGen allele CA2573158390.
Genomic context (GRCh38, chr22:46,350,406, plus strand): 5'-CCAGGTTTCCCAGGATGCCCTGAGGAGAACCATCTTCCCTCTGGGGGGATTAACGAAAGA[GT>G]TTGTAAAGAAAATCGCTGCTGAGAATAGACTTCATCATGTGCTTCAGAAGAAAGAGGTAC-3'